The following is an entry in ClinVar:

NM_014975.3(MAST1):c.2646G>T (p.Leu882Phe)

Gene: MAST1 (microtubule associated serine/threonine kinase 1; plus strand). Cytogenetic location: 19p13.13.
Variant type: single nucleotide variant.
Coding change: c.2646G>T on transcript NM_014975.3 (MANE Select); coding-DNA position 2646, G replaced by T.
Protein change: p.Leu882Phe; replaces leucine 882 with phenylalanine.
Molecular consequence: missense variant.
Genome position (GRCh38, 1-based): chr19:12,868,722, G>T. VCF-style: chr19-12868722-G-T. GRCh37 (hg19) VCF-style: chr19-12979536-G-T.
Other names: short protein forms L882F.
Identifiers: ClinVar variation 2859977 (VCV002859977.3), dbSNP rs767217311, ClinGen allele CA404281288.
Genomic context (GRCh38, chr19:12,868,722, plus strand): 5'-TGACCTCTGCCCACCCTCGAAGGATGGGGATGCATCAGGCCCAAGGGCTACCAATGACTT[G>T]GTTCTGCGCCGGGCGCGGCACCAGCAGATGTCAGGGGATGTGGCAGTAGAGAAGAGGCCT-3'
Protein context (NP_055790.1, residues 872-892): DASGPRATND[Leu882Phe]VLRRARHQQM

ClinVar aggregate classification (germline): Uncertain significance (1 of 4 stars; one submission).

Allele frequency attached by ClinVar (database versions not stated): TOPMed 0.00001.
gnomAD v4.1: 2 of 1,613,256 alleles (0.00012%); highest among the groups gnomAD compares: African/African-American, 0.0013%; no homozygotes.

Submission:

Labcorp Genetics (formerly Invitae), Labcorp
Classification: Uncertain significance. Last evaluated: 2023-05-24. Review status: criteria provided, single submitter. Criteria: Invitae Variant Classification Sherloc (09022015). Collection method: clinical testing. Allele origin: germline.
Comment: In summary, the available evidence is currently insufficient to determine the role of this variant in disease. Therefore, it has been classified as a Variant of Uncertain Significance. An algorithm developed to predict the effect of missense changes on protein structure and function (PolyPhen-2) suggests that this variant is likely to be disruptive. This variant has not been reported in the literature in individuals affected with MAST1-related conditions. This variant is not present in population databases (gnomAD no frequency). This sequence change replaces leucine, which is neutral and non-polar, with phenylalanine, which is neutral and non-polar, at codon 882 of the MAST1 protein (p.Leu882Phe).